The following is an entry in ClinVar:

ClinVar aggregate classification (germline): Likely benign (0 of 4 stars; one submission).

Conditions:
FSIP2-related disorder. Also called: FSIP2-related condition.

gnomAD v4.1: 80 of 1,531,414 alleles (0.0052%); highest among the groups gnomAD compares: Non-Finnish European, 0.0065%; no homozygotes.

Submission:

PreventionGenetics, part of Exact Sciences
Classification: Likely benign for FSIP2-related condition. Last evaluated: 2019-04-26. Review status: no assertion criteria provided. Collection method: clinical testing. Allele origin: germline.
Comment: This variant is classified as likely benign based on ACMG/AMP sequence variant interpretation guidelines (Richards et al. 2015 PMID: 25741868, with internal and published modifications).

NM_173651.4(FSIP2):c.99C>T (p.Asp33=)

Genes: FSIP2 (fibrous sheath interacting protein 2; plus strand), FSIP2-AS2 (FSIP2 antisense RNA 2; minus strand), LOC129935230 (ATAC-STARR-seq lymphoblastoid silent region 12166; plus strand). Cytogenetic location: 2q32.1.
Variant type: single nucleotide variant.
Coding change: c.99C>T on transcript NM_173651.4 (MANE Select); coding-DNA position 99, C replaced by T.
Protein change: p.Asp33=; no amino-acid change (aspartic acid 33 retained).
Molecular consequence: synonymous variant. On other transcripts: non-coding transcript variant (1).
Genome position (GRCh38, 1-based): chr2:185,738,993, C>T. VCF-style: chr2-185738993-C-T. GRCh37 (hg19) VCF-style: chr2-186603720-C-T.
Identifiers: ClinVar variation 3057992 (VCV003057992.2), dbSNP rs771604128, ClinGen allele CA61751678.